The following is an entry in ClinVar:

NM_001830.4(CLCN4):c.1630G>C (p.Gly544Arg)

Gene: CLCN4 (chloride voltage-gated channel 4; plus strand). Cytogenetic location: Xp22.2.
Variant type: single nucleotide variant.
Coding change: c.1630G>C on transcript NM_001830.4 (MANE Select); coding-DNA position 1630, G replaced by C.
Protein change: p.Gly544Arg; replaces glycine 544 with arginine.
Molecular consequence: missense variant.
Genome position (GRCh38, 1-based): chrX:10,213,734, G>C. VCF-style: chrX-10213734-G-C. GRCh37 (hg19) VCF-style: chrX-10181774-G-C.
Other names: c.1348G>C, p.Gly450Arg (NM_001256944.2); short protein forms G544R, G450R.
Identifiers: ClinVar variation 224917 (VCV000224917.2), dbSNP rs587777161, ClinGen allele CA10576002.
Genomic context (GRCh38, chrX:10,213,734, plus strand): 5'-GTTGCAGGTGGAGTTACCAGGATGACGGTGTCATTGGTGGTCATCATGTTTGAATTAACC[G>C]GGGGTCTGGAGTACATCGTGCCCCTGATGGCGGCGGCTGTGACCAGCAAGTGGGTAGCTG-3'
Protein context (NP_001821.2, residues 534-554): SLVVIMFELT[Gly544Arg]GLEYIVPLMA

ClinVar aggregate classification (germline): Pathogenic (1 of 4 stars; one submission).

Conditions:
CLCN4-related disorder. Identifiers: MedGen CN232948.

Submission:

Sydney Children's Hospital, SCHN
Classification: Pathogenic for CLCN4-related disorder. Last evaluated: 2016-03-22. Review status: criteria provided, single submitter. Criteria: Submitter's publication. Collection method: clinical testing. Allele origin: de novo. Inheritance: Sporadic. Affected: yes. Observed: 1 variant allele, 1 heterozygote.
Comment: De novo variant. Clinical phenotype consistent with case series of individuals with CLCN4 related disorder.